The following is an entry in ClinVar:

NM_000093.5(COL5A1):c.1334T>C (p.Ile445Thr)

Gene: COL5A1 (collagen type V alpha 1 chain; plus strand). Cytogenetic location: 9q34.3.
Variant type: single nucleotide variant.
Coding change: c.1334T>C on transcript NM_000093.5 (MANE Select); coding-DNA position 1334, T replaced by C.
Protein change: p.Ile445Thr; replaces isoleucine 445 with threonine.
Molecular consequence: missense variant.
Genome position (GRCh38, 1-based): chr9:134,732,072, T>C. VCF-style: chr9-134732072-T-C. GRCh37 (hg19) VCF-style: chr9-137623918-T-C.
Other names: c.1334T>C, p.Ile445Thr (NM_001278074.1); short protein forms I445T.
Identifiers: ClinVar variation 5034814 (VCV005034814.1).

ClinVar aggregate classification (germline): Uncertain significance (1 of 4 stars; one submission).

Conditions:
Familial thoracic aortic aneurysm and aortic dissection (TAAD). Also called: Thoracic aortic aneurysms and dissections. Identifiers: Orphanet 91387, MedGen C4707243, MONDO:0019625.

gnomAD v4.1: 1 of 1,614,104 alleles (0.000062%); highest among the groups gnomAD compares: African/African-American, 0.0013%; no homozygotes.

Submission:

Ambry Genetics
Classification: Uncertain significance for Familial thoracic aortic aneurysm and aortic dissection. Last evaluated: 2026-07-19. Review status: criteria provided, single submitter. Criteria: Ambry Variant Classification Scheme 2023. Collection method: clinical testing. Allele origin: germline.
Comment: The p.I445T variant (also known as c.1334T>C), located in coding exon 9 of the COL5A1 gene, results from a T to C substitution at nucleotide position 1334. The isoleucine at codon 445 is replaced by threonine, an amino acid with similar properties. This amino acid position is conserved. In addition, the in silico prediction for this alteration is inconclusive. Based on the available evidence, the clinical significance of this variant remains unclear.